The following is an entry in ClinVar:

ClinVar aggregate classification (germline): Uncertain significance. Review status: criteria provided, multiple submitters, no conflicts (2 of 4 stars). 3 submissions from 3 submitters: Uncertain significance (3). Last evaluated 2024-10-24.

Conditions:
Inborn genetic diseases. Identifiers: MedGen C0950123, MeSH D030342.

Allele frequency attached by ClinVar (database versions not stated): TOPMed below 0.00001; gnomAD exomes 0.00001.
gnomAD v4.1: 6 of 1,614,194 alleles (0.00037%); highest among the groups gnomAD compares: Non-Finnish European, 0.00051%; no homozygotes.

Submissions (3):

Ambry Genetics
Classification: Uncertain significance for Inborn genetic diseases. Last evaluated: 2024-10-24. Review status: criteria provided, single submitter. Criteria: Ambry Variant Classification Scheme 2023. Collection method: clinical testing. Allele origin: germline.

Labcorp Genetics (formerly Invitae), Labcorp
Classification: Uncertain significance. Last evaluated: 2024-09-14. Review status: criteria provided, single submitter. Criteria: Invitae Variant Classification Sherloc (09022015). Collection method: clinical testing. Allele origin: germline.
Comment: This sequence change replaces aspartic acid, which is acidic and polar, with asparagine, which is neutral and polar, at codon 71 of the COL2A1 protein (p.Asp71Asn). This variant is not present in population databases (gnomAD no frequency). This missense change has been observed in individual(s) with clinical features of Stickler syndrome (internal data). ClinVar contains an entry for this variant (Variation ID: 1384723). Invitae Evidence Modeling of protein sequence and biophysical properties (such as structural, functional, and spatial information, amino acid conservation, physicochemical variation, residue mobility, and thermodynamic stability) indicates that this missense variant is not expected to disrupt COL2A1 protein function with a negative predictive value of 95%. In summary, the available evidence is currently insufficient to determine the role of this variant in disease. Therefore, it has been classified as a Variant of Uncertain Significance.

Blueprint Genetics
Classification: Uncertain significance. Last evaluated: 2024-09-05. Review status: criteria provided, single submitter. Criteria: ACMG Guidelines, 2015. Collection method: clinical testing. Allele origin: germline.

NM_001844.5(COL2A1):c.211G>A (p.Asp71Asn)

Gene: COL2A1 (collagen type II alpha 1 chain; minus strand). Cytogenetic location: 12q13.11.
Variant type: single nucleotide variant.
Coding change: c.211G>A on transcript NM_001844.5 (MANE Select); coding-DNA position 211, G replaced by A.
Protein change: p.Asp71Asn; replaces aspartic acid 71 with asparagine.
Molecular consequence: missense variant. On other transcripts: intron variant (1).
Genome position (GRCh38, 1-based): chr12:48,000,000, C>T on the plus strand (G>A on the coding strand, the complement: COL2A1 is on the minus strand). VCF-style: chr12-48000000-C-T. GRCh37 (hg19) VCF-style: chr12-48393783-C-T.
Other names: c.86-1569G>A (NM_033150.3); c.211G>A (NM_001844.4); short protein forms D71N.
Identifiers: ClinVar variation 1384723 (VCV001384723.10), dbSNP rs943372344, ClinGen allele CA236494891.